The following is an entry in ClinVar:

ClinVar aggregate classification (germline): Uncertain significance. Review status: criteria provided, single submitter (1 of 4 stars). 3 submissions from 3 submitters: Uncertain significance (1). 2 of the submissions do not count toward it. Last evaluated 2020-01-20.

Conditions:
Congenital disorder of glycosylation, type IIy (CDG2Y). Also called: CDG IIy. Identifiers: MedGen C5774294, MONDO:0859356, OMIM 620200.
GET4-related disorder. Also called: GET4-related condition.
GET4 deficiency.

Allele frequency attached by ClinVar (database versions not stated): gnomAD exomes below 0.00001.
gnomAD v4.1: 1 of 1,610,390 alleles (0.000062%); highest among the groups gnomAD compares: Non-Finnish European, 0.000085%; no homozygotes.

Submissions (3):

Undiagnosed Diseases Network, NIH
Classification: Uncertain significance for GET4-related condition. Last evaluated: 2020-01-20. Review status: criteria provided, single submitter. Criteria: ACMG Guidelines, 2015. Collection method: clinical testing. Allele origin: paternal. Inheritance: Autosomal recessive inheritance. Affected: yes. Observed: 1 variant allele, 1 heterozygote. Study: Undiagnosed Diseases Network (NIH), UDN.

OMIM
Classification: Pathogenic for CONGENITAL DISORDER OF GLYCOSYLATION, TYPE IIy (1 patient). Last evaluated: 2023-03-08. Review status: no assertion criteria provided. Collection method: literature only. Allele origin: germline. Not counted in ClinVar's aggregate classification.

University of Washington Center for Mendelian Genomics, University of Washington
Classification: Likely pathogenic for GET4 deficiency. Review status: no assertion criteria provided. Collection method: research. Allele origin: paternal. Affected: yes. Not counted in ClinVar's aggregate classification.

Literature cited by the submitters: PubMed 32395830 (cited by OMIM and University of Washington Center for Mendelian Genomics, University of Washington).

NM_015949.3(GET4):c.837A>G (p.Ile279Met)

Gene: GET4 (guided entry of tail-anchored proteins factor 4; plus strand). Cytogenetic location: 7p22.3.
Variant type: single nucleotide variant.
Coding change: c.837A>G on transcript NM_015949.3 (MANE Select); coding-DNA position 837, A replaced by G.
Protein change: p.Ile279Met; replaces isoleucine 279 with methionine.
Molecular consequence: missense variant.
Genome position (GRCh38, 1-based): chr7:893,913, A>G. VCF-style: chr7-893913-A-G. GRCh37 (hg19) VCF-style: chr7-933550-A-G.
Other names: p.I279M; short protein forms I279M.
Identifiers: ClinVar variation 979051 (VCV000979051.5), dbSNP rs1844404490, ClinGen allele CA366548003.